The following is an entry in ClinVar:

ClinVar aggregate classification (germline): Uncertain significance (1 of 4 stars; one submission).

Conditions:
Cardiovascular phenotype. Identifiers: MedGen CN230736.

Submission:

Ambry Genetics
Classification: Uncertain significance for Cardiovascular phenotype. Last evaluated: 2022-02-11. Review status: criteria provided, single submitter. Criteria: Ambry Variant Classification Scheme 2023. Collection method: clinical testing. Allele origin: germline.
Comment: The p.K1587N variant (also known as c.4761G>T), located in coding exon 28 of the FLNC gene, results from a G to T substitution at nucleotide position 4761. The lysine at codon 1587 is replaced by asparagine, an amino acid with similar properties. This amino acid position is conserved. In addition, this alteration is predicted to be tolerated by in silico analysis. Since supporting evidence is limited at this time, the clinical significance of this alteration remains unclear.

NM_001458.5(FLNC):c.4761G>T (p.Lys1587Asn)

Gene: FLNC (filamin C; plus strand). Cytogenetic location: 7q32.1.
Variant type: single nucleotide variant.
Coding change: c.4761G>T on transcript NM_001458.5 (MANE Select); coding-DNA position 4761, G replaced by T.
Protein change: p.Lys1587Asn; replaces lysine 1587 with asparagine.
Molecular consequence: missense variant.
Genome position (GRCh38, 1-based): chr7:128,848,816, G>T. VCF-style: chr7-128848816-G-T. GRCh37 (hg19) VCF-style: chr7-128488870-G-T.
Other names: c.4761G>T, p.Lys1587Asn (NM_001127487.2); short protein forms K1587N.
Identifiers: ClinVar variation 1742907 (VCV001742907.2), dbSNP rs2536648678, ClinGen allele CA369202960.